The following is an entry in ClinVar:

NM_020975.6(RET):c.2833G>C (p.Val945Leu)

Gene: RET (ret proto-oncogene; plus strand). Cytogenetic location: 10q11.21.
Variant type: single nucleotide variant.
Coding change: c.2833G>C on transcript NM_020975.6 (MANE Select); coding-DNA position 2833, G replaced by C.
Protein change: p.Val945Leu; replaces valine 945 with leucine.
Molecular consequence: missense variant.
Genome position (GRCh38, 1-based): chr10:43,123,702, G>C. VCF-style: chr10-43123702-G-C. GRCh37 (hg19) VCF-style: chr10-43619150-G-C.
Other names: c.2308G>C, p.Val770Leu (NM_001406774.1); c.2107G>C, p.Val703Leu (NM_001406775.1, NM_001406776.1, NM_001406777.1 and 1 more transcripts); c.1936G>C, p.Val646Leu (NM_001406779.1, NM_001406780.1, NM_001406781.1 and 1 more transcripts); c.1384G>C, p.Val462Leu (NM_001406793.1, NM_001406794.1, NM_001406792.1); c.2833G>C, p.Val945Leu (NM_020630.7, NM_001406743.1, NM_001406744.1 and 2 more transcripts); c.2071G>C, p.Val691Leu (NM_001355216.2); c.2704G>C, p.Val902Leu (NM_001406761.1, NM_001406762.1, NM_001406764.1); c.2698G>C, p.Val900Leu (NM_001406763.1, NM_001406765.1); and 10 more; short protein forms V550L, V601L, V603L, V691L, V799L, V813L, V703L, V770L.
Identifiers: ClinVar variation 4152792 (VCV004152792.1).

ClinVar aggregate classification (germline): Uncertain significance (1 of 4 stars; one submission).

Conditions:
Hereditary cancer-predisposing syndrome. Also called: Neoplastic Syndromes, Hereditary; Tumor predisposition; Hereditary Cancer Syndrome; Hereditary neoplastic syndrome. Identifiers: Orphanet 140162, MedGen C0027672, MeSH D009386, MONDO:0015356.

Submission:

Ambry Genetics
Classification: Uncertain significance for Hereditary cancer-predisposing syndrome. Last evaluated: 2025-07-05. Review status: criteria provided, single submitter. Criteria: Ambry Variant Classification Scheme 2023. Collection method: clinical testing. Allele origin: germline.
Comment: The p.V945L variant (also known as c.2833G>C), located in coding exon 17 of the RET gene, results from a G to C substitution at nucleotide position 2833. The valine at codon 945 is replaced by leucine, an amino acid with highly similar properties. This amino acid position is conserved. In addition, this alteration is predicted to be deleterious by in silico analysis. Based on the available evidence, the clinical significance of this variant remains unclear.